The following is an entry in ClinVar:

ClinVar aggregate classification (germline): Conflicting classifications of pathogenicity. Review status: criteria provided, conflicting classifications (1 of 4 stars). 3 submissions from 3 submitters: Likely pathogenic (1); Uncertain significance (2). Last evaluated 2026-02-23.

Conditions:
Polycystic kidney disease, adult type (PKD1). Also called: POLYCYSTIC KIDNEY DISEASE, ADULT, TYPE I; Polycystic Kidney Disease 1, Autosomal Dominant; Polycystic kidney disease 1; Polycystic kidney disease 1, severe; Polycystic Kidney, Autosomal Dominant; POLYCYSTIC KIDNEY DISEASE 1 WITH OR WITHOUT POLYCYSTIC LIVER DISEASE. Identifiers: MedGen C3149841, MONDO:0008263, OMIM 173900.

Submissions (3):

Women's Health and Genetics/Laboratory Corporation of America, LabCorp
Classification: Uncertain significance. Last evaluated: 2026-02-23. Review status: criteria provided, single submitter. Criteria: LabCorp Variant Classification Summary - May 2015. Collection method: clinical testing. Allele origin: germline.
Comment: Variant summary: PKD1 c.7703G>A (p.Arg2568Lys) results in a conservative amino acid change in the encoded protein sequence. Algorithms developed to predict the effect of missense changes on protein structure and function all suggest that this variant is likely to be tolerated. Several computational tools predict a significant impact on normal splicing: Four predict the variant weakens a 5' donor site. Four predict the variant abolishes a cryptic 3' acceptor site. However, these predictions have yet to be confirmed by functional studies. The variant was absent in 206322 control chromosomes. The available data on variant occurrences in the general population are insufficient to allow any conclusion about variant significance. c.7703G>A has been observed in heterozygous individual(s) affected with Polycystic Kidney Disease 1 (Domingo-Gallego_2022). These data do not allow any conclusion about variant significance. To our knowledge, no experimental evidence demonstrating an impact on protein function has been reported. The following publication has been ascertained in the context of this evaluation (PMID: 33532864). ClinVar contains an entry for this variant (Variation ID: 974502). Based on the evidence outlined above, the variant was classified as uncertain significance.

Department of Pathology and Laboratory Medicine, Sinai Health System
Classification: Uncertain significance for Polycystic kidney disease, adult type. Last evaluated: 2021-06-03. Review status: criteria provided, single submitter. Criteria: ACMG Guidelines, 2015. Collection method: clinical testing. Allele origin: germline. Affected: yes.

Molecular Biology Laboratory, Fundació Puigvert
Classification: Likely pathogenic for Polycystic kidney disease, adult type. Last evaluated: 2020-02-01. Review status: criteria provided, single submitter. Criteria: ACMG Guidelines, 2015. Collection method: research. Allele origin: maternal. Affected: yes. Study: KidneyPanel_2020.

Literature cited by the submitters: PubMed 33532864 (cited by Women's Health and Genetics/Laboratory Corporation of America, LabCorp and Molecular Biology Laboratory, Fundació Puigvert).

NM_001009944.3(PKD1):c.7703G>A (p.Arg2568Lys)

Gene: PKD1 (polycystin 1, transient receptor potential channel interacting; minus strand). Cytogenetic location: 16p13.3.
Variant type: single nucleotide variant.
Coding change: c.7703G>A on transcript NM_001009944.3 (MANE Select); coding-DNA position 7703, G replaced by A.
Protein change: p.Arg2568Lys; replaces arginine 2568 with lysine.
Molecular consequence: missense variant.
Genome position (GRCh38, 1-based): chr16:2,106,091, C>T on the plus strand (G>A on the coding strand, the complement: PKD1 is on the minus strand). VCF-style: chr16-2106091-C-T. GRCh37 (hg19) VCF-style: chr16-2156092-C-T.
Other names: c.7703G>A, p.Arg2568Lys (NM_000296.4); c.7703G>A (NM_001009944.2); short protein forms R2568K.
Identifiers: ClinVar variation 974502 (VCV000974502.3), dbSNP rs2092327300, ClinGen allele CA394368189.
Genomic context (GRCh38, chr16:2,106,091, plus strand): 5'-GCAGAGGGGGGTGGTGAGCAGGTGGCAGTCTCGGGGGCGCCCTCCCACGGCCTGGCTCAC[C>T]TGTTGAGGGCGACCACAGCGGCTCCCAGCTGGTCCTGCACCACCACGGCCAGGCCCACCT-3'
Protein context (NP_001009944.3, residues 2558-2578): QLGAAVVALN[Arg2568Lys]SLAITLPEPN